The following is an entry in ClinVar:

ClinVar aggregate classification (germline): Uncertain significance (1 of 4 stars; one submission).

Submission:

Labcorp Genetics (formerly Invitae), Labcorp
Classification: Uncertain significance. Last evaluated: 2024-02-08. Review status: criteria provided, single submitter. Criteria: Invitae Variant Classification Sherloc (09022015). Collection method: clinical testing. Allele origin: germline.
Comment: This sequence change replaces proline, which is neutral and non-polar, with leucine, which is neutral and non-polar, at codon 429 of the TBX20 protein (p.Pro429Leu). This variant is not present in population databases (gnomAD no frequency). This variant has not been reported in the literature in individuals affected with TBX20-related conditions. An algorithm developed to predict the effect of missense changes on protein structure and function (PolyPhen-2) suggests that this variant is likely to be disruptive. In summary, the available evidence is currently insufficient to determine the role of this variant in disease. Therefore, it has been classified as a Variant of Uncertain Significance.

NM_001077653.2(TBX20):c.1286C>T (p.Pro429Leu)

Gene: TBX20 (T-box transcription factor 20; minus strand). Cytogenetic location: 7p14.2.
Variant type: single nucleotide variant.
Coding change: c.1286C>T on transcript NM_001077653.2 (MANE Select); coding-DNA position 1286, C replaced by T.
Protein change: p.Pro429Leu; replaces proline 429 with leucine.
Molecular consequence: missense variant.
Genome position (GRCh38, 1-based): chr7:35,202,488, G>A on the plus strand (C>T on the coding strand, the complement: TBX20 is on the minus strand). VCF-style: chr7-35202488-G-A. GRCh37 (hg19) VCF-style: chr7-35242100-G-A.
Other names: short protein forms P429L.
Identifiers: ClinVar variation 3676145 (VCV003676145.2).